The following is an entry in ClinVar:

ClinVar aggregate classification (germline): Uncertain significance. Review status: criteria provided, multiple submitters, no conflicts (2 of 4 stars). 6 submissions from 6 submitters: Uncertain significance (6). Last evaluated 2026-01-26.

Conditions:
Familial thoracic aortic aneurysm and aortic dissection (TAAD). Also called: Thoracic aortic aneurysms and dissections. Identifiers: Orphanet 91387, MedGen C4707243, MONDO:0019625.
Ehlers-Danlos syndrome, type 4 (EDSVASC). Also called: Ehlers-Danlos syndrome vascular type; Ehlers Danlos syndrome, ecchymotic type; Ehlers Danlos syndrome, arterial type; Ehlers Danlos syndrome, Sack-Barabas type; Ehlers-Danlos Syndrome Type IV. Identifiers: Orphanet 286, MedGen C0268338, MONDO:0017314, OMIM 130050.
Polymicrogyria with or without vascular-type Ehlers-Danlos syndrome. Identifiers: Orphanet 636941, MedGen C5193040, MONDO:0032688, OMIM 618343.

Allele frequency attached by ClinVar (database versions not stated): gnomAD exomes 0.00001; TOPMed 0.00002; gnomAD 0.00003; ESP Exome Variant Server 0.00008.
gnomAD v4.1: 21 of 1,578,876 alleles (0.0013%); highest among the groups gnomAD compares: African/African-American, 0.0027%; no homozygotes.

Submissions (6):

GeneDx
Classification: Uncertain significance. Last evaluated: 2026-01-26. Review status: criteria provided, single submitter. Criteria: GeneDx Variant Classification Process June 2021. Collection method: clinical testing. Allele origin: germline. Affected: yes.
Comment: Has not been previously published as pathogenic or benign to our knowledge; Not observed at significant frequency in large population cohorts (gnomAD); In silico analysis supports that this missense variant has a deleterious effect on protein structure/function; Occurs in the triple helical domain at the Y position in the canonical Gly-X-Y repeat; although this variant may have an effect on normal protein folding and function, missense substitution at the Y position is not a common mechanism of disease (HGMD)

Labcorp Genetics (formerly Invitae), Labcorp
Classification: Uncertain significance for Ehlers-Danlos syndrome, type 4. Last evaluated: 2025-07-06. Review status: criteria provided, single submitter. Criteria: Invitae Variant Classification Sherloc (09022015). Collection method: clinical testing. Allele origin: germline.
Comment: This sequence change replaces proline, which is neutral and non-polar, with serine, which is neutral and polar, at codon 680 of the COL3A1 protein (p.Pro680Ser). The frequency data for this variant in the population databases is considered unreliable, as metrics indicate poor data quality at this position in the gnomAD database. This variant has not been reported in the literature in individuals affected with COL3A1-related conditions. ClinVar contains an entry for this variant (Variation ID: 632776). Invitae Evidence Modeling of protein sequence and biophysical properties (such as structural, functional, and spatial information, amino acid conservation, physicochemical variation, residue mobility, and thermodynamic stability) has been performed for this missense variant. However, the output from this modeling did not meet the statistical confidence thresholds required to predict the impact of this variant on COL3A1 protein function. In summary, the available evidence is currently insufficient to determine the role of this variant in disease. Therefore, it has been classified as a Variant of Uncertain Significance.

Ambry Genetics
Classification: Uncertain significance for Familial thoracic aortic aneurysm and aortic dissection. Last evaluated: 2024-11-13. Review status: criteria provided, single submitter. Criteria: Ambry Variant Classification Scheme 2023. Collection method: clinical testing. Allele origin: germline.
Comment: The p.P680S variant (also known as c.2038C>T), located in coding exon 30 of the COL3A1 gene, results from a C to T substitution at nucleotide position 2038. The proline at codon 680 is replaced by serine, an amino acid with similar properties. This amino acid position is highly conserved in available vertebrate species. In addition, the in silico prediction for this alteration is inconclusive. Based on the available evidence, the clinical significance of this variant remains unclear.

All of Us Research Program, National Institutes of Health
Classification: Uncertain significance for Ehlers-Danlos syndrome, type 4. Last evaluated: 2024-07-20. Review status: criteria provided, single submitter. Criteria: ACMG Guidelines, 2015. Collection method: clinical testing. Allele origin: germline. Inheritance: Autosomal dominant inheritance. Observed: 7 variant alleles, 7 heterozygotes.
Comment: This missense variant replaces proline with serine at codon 680 of the COL3A1 protein. Computational prediction suggests that this variant may have deleterious impact on protein structure and function (internally defined REVEL score threshold >= 0.7, PMID: 27666373). To our knowledge, functional studies have not been reported for this variant. This variant has not been reported in individuals affected with COL3A1-related disorders in the literature. This variant has been identified in 1/193480 chromosomes in the general population by the Genome Aggregation Database (gnomAD). The available evidence is insufficient to determine the role of this variant in disease conclusively. Therefore, this variant is classified as a Variant of Uncertain Significance.

This study involves interpretation of variants in research participants for the purpose of population health screening. Participant phenotype was not available at the time of variant classification. Additional details can be found in publication PMID: 35346344, PMCID: PMC8962531

Color Diagnostics, LLC DBA Color Health
Classification: Uncertain significance for Familial thoracic aortic aneurysm and aortic dissection. Last evaluated: 2024-03-06. Review status: criteria provided, single submitter. Criteria: ACMG Guidelines, 2015. Collection method: clinical testing. Allele origin: germline.
Comment: This missense variant replaces proline with serine at codon 680 of the COL3A1 protein. Computational prediction suggests that this variant may have deleterious impact on protein structure and function (internally defined REVEL score threshold >= 0.7, PMID: 27666373). To our knowledge, functional studies have not been reported for this variant. This variant has not been reported in individuals affected with COL3A1-related disorders in the literature. This variant has been identified in 1/193480 chromosomes in the general population by the Genome Aggregation Database (gnomAD). The available evidence is insufficient to determine the role of this variant in disease conclusively. Therefore, this variant is classified as a Variant of Uncertain Significance.

Women's Health and Genetics/Laboratory Corporation of America, LabCorp
Classification: Uncertain significance. Last evaluated: 2018-04-16. Review status: criteria provided, single submitter. Criteria: LabCorp Variant Classification Summary - May 2015. Collection method: clinical testing. Allele origin: germline.
Comment: Variant summary: COL3A1 c.2038C>T (p.Pro680Ser) results in a non-conservative amino acid change located outside of any known functional domain or repeat of the encoded protein sequence. Five of five in-silico tools predict a damaging effect of the variant on protein function. The variant was absent in 214642 control chromosomes. The available data on variant occurrences in the general population are insufficient to allow any conclusion about variant significance. To our knowledge, no occurrence of c.2038C>T in individuals affected with Aortopathy and/or EDS and no experimental evidence demonstrating its impact on protein function have been reported. No clinical diagnostic laboratories have submitted clinical-significance assessments for this variant to ClinVar after 2014. Based on the evidence outlined above, the variant was classified as uncertain significance.

NM_000090.4(COL3A1):c.2038C>T (p.Pro680Ser)

Gene: COL3A1 (collagen type III alpha 1 chain; plus strand). Cytogenetic location: 2q32.2.
Variant type: single nucleotide variant.
Coding change: c.2038C>T on transcript NM_000090.4 (MANE Select); coding-DNA position 2038, C replaced by T.
Protein change: p.Pro680Ser; replaces proline 680 with serine.
Molecular consequence: missense variant.
Genome position (GRCh38, 1-based): chr2:188,999,300, C>T. VCF-style: chr2-188999300-C-T. GRCh37 (hg19) VCF-style: chr2-189864026-C-T.
Other names: short protein forms P680S.
Identifiers: ClinVar variation 632776 (VCV000632776.25), dbSNP rs372027308, ClinGen allele CA62554428.